The following is an entry in ClinVar:

NM_024675.4(PALB2):c.1238C>G (p.Thr413Arg)

Gene: PALB2 (partner and localizer of BRCA2; minus strand). Cytogenetic location: 16p12.2.
Variant type: single nucleotide variant.
Coding change: c.1238C>G on transcript NM_024675.4 (MANE Select); coding-DNA position 1238, C replaced by G.
Protein change: p.Thr413Arg; replaces threonine 413 with arginine.
Molecular consequence: missense variant.
Genome position (GRCh38, 1-based): chr16:23,635,308, G>C on the plus strand (C>G on the coding strand, the complement: PALB2 is on the minus strand). VCF-style: chr16-23635308-G-C. GRCh37 (hg19) VCF-style: chr16-23646629-G-C.
Other names: short protein forms T413R.
Identifiers: ClinVar variation 496461 (VCV000496461.19), dbSNP rs876660213, ClinGen allele CA395132963.

ClinVar aggregate classification (germline): Uncertain significance. Review status: criteria provided, multiple submitters, no conflicts (2 of 4 stars). 4 submissions from 4 submitters: Uncertain significance (4). Last evaluated 2025-07-21.

Conditions:
Hereditary cancer-predisposing syndrome. Also called: Tumor predisposition; Neoplastic Syndromes, Hereditary; Hereditary neoplastic syndrome; Hereditary Cancer Syndrome. Identifiers: Orphanet 140162, MedGen C0027672, MeSH D009386, MONDO:0015356.
Familial cancer of breast. Also called: Hereditary breast cancer; hereditary breast carcinoma; BREAST CANCER, FAMILIAL. Identifiers: Orphanet 227535, MedGen C0346153, MONDO:0016419, OMIM 114480. Disease mechanism: loss of function.

Allele frequency attached by ClinVar (database versions not stated): gnomAD exomes below 0.00001.
gnomAD v4.1: 2 of 1,614,066 alleles (0.00012%); highest among the groups gnomAD compares: Non-Finnish European, 0.00017%; no homozygotes.

Submissions (4):

Labcorp Genetics (formerly Invitae), Labcorp
Classification: Uncertain significance for Familial cancer of breast. Last evaluated: 2025-07-21. Review status: criteria provided, single submitter. Criteria: Invitae Variant Classification Sherloc (09022015). Collection method: clinical testing. Allele origin: germline.
Comment: This sequence change replaces threonine, which is neutral and polar, with arginine, which is basic and polar, at codon 413 of the PALB2 protein (p.Thr413Arg). This variant is not present in population databases (gnomAD no frequency). This variant has not been reported in the literature in individuals affected with PALB2-related conditions. ClinVar contains an entry for this variant (Variation ID: 496461). Invitae Evidence Modeling of protein sequence and biophysical properties (such as structural, functional, and spatial information, amino acid conservation, physicochemical variation, residue mobility, and thermodynamic stability) indicates that this missense variant is expected to disrupt PALB2 protein function with a positive predictive value of 80%. In summary, the available evidence is currently insufficient to determine the role of this variant in disease. Therefore, it has been classified as a Variant of Uncertain Significance.

Ambry Genetics
Classification: Uncertain significance for Hereditary cancer-predisposing syndrome. Last evaluated: 2023-09-17. Review status: criteria provided, single submitter. Criteria: Ambry Variant Classification Scheme 2023. Collection method: clinical testing. Allele origin: germline.
Comment: The p.T413R variant (also known as c.1238C>G), located in coding exon 4 of the PALB2 gene, results from a C to G substitution at nucleotide position 1238. The threonine at codon 413 is replaced by arginine, an amino acid with similar properties. This amino acid position is highly conserved in available vertebrate species. In addition, the in silico prediction for this alteration is inconclusive. Since supporting evidence is limited at this time, the clinical significance of this alteration remains unclear.

Color Diagnostics, LLC DBA Color Health
Classification: Uncertain significance for Hereditary cancer-predisposing syndrome. Last evaluated: 2022-07-11. Review status: criteria provided, single submitter. Criteria: ACMG Guidelines, 2015. Collection method: clinical testing. Allele origin: germline.
Comment: This missense variant replaces threonine with arginine at codon 413 of the PALB2 protein. Computational prediction suggests that this variant may not impact protein structure and function (internally defined REVEL score threshold <= 0.5, PMID: 27666373). To our knowledge, functional studies have not been reported for this variant. This variant has not been reported in individuals affected with hereditary cancer in the literature. This variant has not been identified in the general population by the Genome Aggregation Database (gnomAD). The available evidence is insufficient to determine the role of this variant in disease conclusively. Therefore, this variant is classified as a Variant of Uncertain Significance.

Women's Health and Genetics/Laboratory Corporation of America, LabCorp
Classification: Uncertain significance. Last evaluated: 2016-01-25. Review status: criteria provided, single submitter. Criteria: LabCorp Variant Classification Summary - May 2015. Collection method: clinical testing. Allele origin: germline.